The following is an entry in ClinVar:

ClinVar aggregate classification (germline): Pathogenic. Review status: criteria provided, multiple submitters, no conflicts (2 of 4 stars). 6 submissions from 6 submitters: Pathogenic (5). 1 of the submissions does not count toward it. Last evaluated 2025-10-21.

Conditions:
Pheochromocytoma. Also called: MAX-Related Hereditary Paraganglioma-Pheochromocytoma Syndrome. Identifiers: Orphanet 29072, MedGen C0031511, MONDO:0008233, OMIM 171300, HP:0002666.
Cowden syndrome 3 (CWS3). Identifiers: Orphanet 201, MedGen CN166604, MONDO:0014045.
Carney-Stratakis syndrome. Also called: PARAGANGLIOMA AND GASTROINTESTINAL STROMAL TUMOR. Identifiers: Orphanet 97286, MedGen C1847319, MONDO:0011740, OMIM 606864.
Paragangliomas with sensorineural hearing loss. Identifiers: MedGen C1868633.
Inherited phaeochromocytoma and paraganglioma excluding NF1.
Hereditary cancer-predisposing syndrome. Also called: Tumor predisposition; Hereditary neoplastic syndrome; Hereditary Cancer Syndrome; Neoplastic Syndromes, Hereditary. Identifiers: Orphanet 140162, MedGen C0027672, MeSH D009386, MONDO:0015356.
Pheochromocytoma/paraganglioma syndrome 1. Also called: PARAGANGLIOMATA; PARAGANGLIOMAS, FAMILIAL NONCHROMAFFIN, 1; PGL 1; Paragangliomas familial 1; Paraganglioma - glomus jugulare; SDHD-Related Hereditary Paraganglioma-Pheochromocytoma Syndrome. Identifiers: Orphanet 29072, MedGen C3494181, MONDO:0008192, OMIM 168000.

Submissions (6):

NHS Central & South Genomic Laboratory Hub
Classification: Pathogenic for Inherited phaeochromocytoma and paraganglioma excluding NF1. Last evaluated: 2025-10-21. Review status: criteria provided, single submitter. Criteria: ACMG Guidelines, 2015. Collection method: clinical testing. Allele origin: germline. Affected: yes.

Labcorp Genetics (formerly Invitae), Labcorp
Classification: Pathogenic for Carney-Stratakis syndrome; Paragangliomas with sensorineural hearing loss; Pheochromocytoma; Cowden syndrome 3. Last evaluated: 2025-10-06. Review status: criteria provided, single submitter. Criteria: Invitae Variant Classification Sherloc (09022015). Collection method: clinical testing. Allele origin: germline.
Comment: This sequence change creates a premature translational stop signal (p.Leu64Profs*4) in the SDHD gene. It is expected to result in an absent or disrupted protein product. Loss-of-function variants in SDHD are known to be pathogenic (PMID: 19454582, 19802898). This variant is not present in population databases (gnomAD no frequency). This premature translational stop signal has been observed in individual(s) with paraganglioma (PMID: 11391796, 15235042, 19454582, 23902947). It has also been observed to segregate with disease in related individuals. For these reasons, this variant has been classified as Pathogenic.

Ambry Genetics
Classification: Pathogenic for Hereditary cancer-predisposing syndrome. Last evaluated: 2025-07-04. Review status: criteria provided, single submitter. Criteria: Ambry Variant Classification Scheme 2023. Collection method: clinical testing. Allele origin: germline.
Comment: The c.191_192delTC pathogenic mutation, located in coding exon 3 of the SDHD gene, results from a deletion of two nucleotides at nucleotide positions 191 to 192, causing a translational frameshift with a predicted alternate stop codon (p.L64Pfs*4). This variant was reported in individual(s) with features consistent with SDHD-related hereditary pheochromocytoma-paraganglioma (Badenhop RF et al. Genes Chromosomes Cancer, 2001 Jul;31:255-63; Badenhop RF et al. J Med Genet, 2004 Jul;41:e99; Amar L et al. J Clin Oncol, 2005 Dec;23:8812-8; Casc&oacute;n A et al. J Clin Endocrinol Metab, 2009 May;94:1701-5; Burnichon N et al. J Clin Endocrinol Metab, 2009 Aug;94:2817-27; Neumann HP et al. Cancer Res, 2009 Apr;69:3650-6). This variant is considered to be rare based on population cohorts in the Genome Aggregation Database (gnomAD). This alteration is expected to result in loss of function by premature protein truncation or nonsense-mediated mRNA decay. As such, this alteration is interpreted as a disease-causing mutation.

Molecular Pathology, Peter Maccallum Cancer Centre
Classification: Pathogenic for Pheochromocytoma/paraganglioma syndrome 1. Last evaluated: 2024-10-31. Review status: criteria provided, single submitter. Criteria: ACMG Guidelines, 2015. Collection method: clinical testing. Allele origin: germline. Inheritance: Autosomal dominant inheritance.

GeneDx
Classification: Pathogenic. Last evaluated: 2016-07-25. Review status: criteria provided, single submitter. Criteria: GeneDx Variant Classification (06012015). Collection method: clinical testing. Allele origin: germline. Affected: yes.
Comment: This deletion of two nucleotides in SDHD is denoted c.191_192delTC at the cDNA level and p.Leu64ProfsX4 (L64PfsX4) at the protein level. The normal sequence, with the bases that are deleted in braces, is TCTC[TC]CACT. The deletion causes a frameshift which changes a Leucine to a Proline at codon 64, and creates a premature stop codon at position 4 of the new reading frame. This variant is predicted to cause loss of normal protein function through either protein truncation or nonsense-mediated mRNA decay. SDHD c.191_192delTC tracked with disease in a large Australian family with hereditary paraganglioma (Badenhop 2001), and has been reported in multiple individuals with paraganglioma, including those with an apparently sporadic tumor (Burnichon 2009, Neumann 2009, Jafri 2013, Curras-Freixes 2015). We consider this variant to be pathogenic.

OMIM
Classification: Pathogenic for PHEOCHROMOCYTOMA/PARAGANGLIOMA SYNDROME 1. Last evaluated: 2001-07-01. Review status: no assertion criteria provided. Collection method: literature only. Allele origin: germline. Not counted in ClinVar's aggregate classification.

Literature cited by the submitters: PubMed 19454582 (cited by Labcorp Genetics (formerly Invitae), Labcorp and Ambry Genetics); PubMed 19802898 (cited by Labcorp Genetics (formerly Invitae), Labcorp); PubMed 11391796 (cited by 3 submitters); PubMed 15235042 (cited by Labcorp Genetics (formerly Invitae), Labcorp and Ambry Genetics); PubMed 23902947 (cited by Labcorp Genetics (formerly Invitae), Labcorp and Ambry Genetics); PubMed 16314641 (cited by Ambry Genetics); PubMed 19258401 (cited by Ambry Genetics); PubMed 19351833 (cited by Ambry Genetics); PubMed 23072324 (cited by Ambry Genetics); PubMed 23660872 (cited by Ambry Genetics); PubMed 26269449 (cited by Ambry Genetics); PubMed 29386252 (cited by Ambry Genetics).

NM_003002.4(SDHD):c.191_192del (p.Leu64fs)

Gene: SDHD (succinate dehydrogenase complex subunit D; plus strand). Cytogenetic location: 11q23.1.
Variant type: Microsatellite.
Coding change: c.191_192del on transcript NM_003002.4 (MANE Select); coding-DNA positions 191 to 192, 2 bases deleted (TC; older notation c.191_192delTC).
Protein change: p.Leu64fs; shifts the reading frame from leucine 64.
Molecular consequence: frameshift variant. On other transcripts: non-coding transcript variant (1), intron variant (1).
Genome position (GRCh38, 1-based): chr11:112,088,888-112,088,889, TC deleted; deleting any 2 consecutive bases within chr11:112,088,884-112,088,889 gives the same sequence; the c. name uses the placement nearest the transcript's 3' end. VCF-style (leftmost placement, unchanged base first): chr11-112088883-ATC-A. GRCh37 (hg19) VCF-style: chr11-111959607-ATC-A.
Other names: c.74_75del, p.Leu25fs (NM_001276504.2); c.191_192del, p.Leu64fs (NM_001276506.2); c.169+911TC[2] (NM_001276503.2); short protein forms L64fs, L25fs.
Identifiers: ClinVar variation 6904 (VCV000006904.17), dbSNP rs387906358, ClinGen allele CA016671.
Genomic context (GRCh38, chr11:112,088,883, plus strand): 5'-TGTGTTTCTCACATCAACTTTTATGAATCTGGTCCTTTTTGTAGCTGGCTCCAAGGCTGC[ATC>A]TCTCCACTGGACTAGCGAGAGGGTTGTCAGTGTTTTGCTCCTGGGTCTGCTTCCGGCTGC-3'